The following is an entry in ClinVar:

NM_004153.4(ORC1):c.1424G>A (p.Arg475His)

Gene: ORC1 (origin recognition complex subunit 1; minus strand). Cytogenetic location: 1p32.3.
Variant type: single nucleotide variant.
Coding change: c.1424G>A on transcript NM_004153.4 (MANE Select); coding-DNA position 1424, G replaced by A.
Protein change: p.Arg475His; replaces arginine 475 with histidine.
Molecular consequence: missense variant.
Genome position (GRCh38, 1-based): chr1:52,385,909, C>T on the plus strand (G>A on the coding strand, the complement: ORC1 is on the minus strand). VCF-style: chr1-52385909-C-T. GRCh37 (hg19) VCF-style: chr1-52851581-C-T.
Other names: c.1424G>A, p.Arg475His (NM_001190818.2); c.1409G>A, p.Arg470His (NM_001190819.2); c.1424G>A (NM_004153.3); short protein forms R470H, R475H.
Identifiers: ClinVar variation 1366972 (VCV001366972.7), dbSNP rs137944510, ClinGen allele CA853331.

ClinVar aggregate classification (germline): Uncertain significance. Review status: criteria provided, multiple submitters, no conflicts (2 of 4 stars). 2 submissions from 2 submitters: Uncertain significance (2). Last evaluated 2025-08-26.

Conditions:
Inborn genetic diseases. Identifiers: MedGen C0950123, MeSH D030342.

Allele frequency attached by ClinVar (database versions not stated): ExAC 0.00001; gnomAD exomes 0.00002 and 0.00009; TOPMed 0.00004; gnomAD 0.00007; ESP Exome Variant Server 0.00015.
gnomAD v4.1: 133 of 1,613,660 alleles (0.0082%); highest among the groups gnomAD compares: Non-Finnish European, 0.011%; no homozygotes.

Submissions (2):

Ambry Genetics
Classification: Uncertain significance for Inborn genetic diseases. Last evaluated: 2025-08-26. Review status: criteria provided, single submitter. Criteria: Ambry Variant Classification Scheme 2023. Collection method: clinical testing. Allele origin: germline.

Labcorp Genetics (formerly Invitae), Labcorp
Classification: Uncertain significance. Last evaluated: 2022-09-01. Review status: criteria provided, single submitter. Criteria: Invitae Variant Classification Sherloc (09022015). Collection method: clinical testing. Allele origin: germline.
Comment: This sequence change replaces arginine, which is basic and polar, with histidine, which is basic and polar, at codon 475 of the ORC1 protein (p.Arg475His). This variant is present in population databases (rs137944510, gnomAD 0.01%). This variant has not been reported in the literature in individuals affected with ORC1-related conditions. ClinVar contains an entry for this variant (Variation ID: 1366972). Algorithms developed to predict the effect of missense changes on protein structure and function are either unavailable or do not agree on the potential impact of this missense change (SIFT: "Deleterious"; PolyPhen-2: "Benign"; Align-GVGD: "Class C0"). In summary, the available evidence is currently insufficient to determine the role of this variant in disease. Therefore, it has been classified as a Variant of Uncertain Significance.